The following is an entry in ClinVar:

ClinVar aggregate classification (germline): Benign. Review status: criteria provided, multiple submitters, no conflicts (2 of 4 stars). 3 submissions from 3 submitters: Benign (3). Last evaluated 2026-02-01.

Conditions:
Hereditary factor IX deficiency disease (HEMB). Also called: PLASMA THROMBOPLASTIN COMPONENT DEFICIENCY; Hemophilia B; F9 DEFICIENCY; FACTOR IX DEFICIENCY; Christmas Disease. Identifiers: Orphanet 98879, MedGen C0008533, MeSH D002836, MONDO:0010604, OMIM 306900.
Thrombophilia, X-linked, due to factor 9 defect. Identifiers: MedGen C2749016, MONDO:0010432, OMIM 300807.

Allele frequency attached by ClinVar (database versions not stated): gnomAD exomes 0.00102 and 0.00225; ESP Exome Variant Server 0.00170; gnomAD 0.00112 and 0.00116; TOPMed 0.00134; ExAC 0.00185.
gnomAD v4.1: 1,214 of 1,100,580 alleles (0.11%); highest among the groups gnomAD compares: Admixed American, 0.083%; 13 homozygotes.

Submissions (3):

Labcorp Genetics (formerly Invitae), Labcorp
Classification: Benign for Thrombophilia, X-linked, due to factor 9 defect; Hereditary factor IX deficiency disease. Last evaluated: 2026-02-01. Review status: criteria provided, single submitter. Criteria: Invitae Variant Classification Sherloc (09022015). Collection method: clinical testing. Allele origin: germline.

Illumina Laboratory Services, Illumina
Classification: Benign for Hereditary factor IX deficiency disease. Last evaluated: 2018-01-13. Review status: criteria provided, single submitter. Criteria: ICSL Variant Classification Criteria 13 December 2019. Collection method: clinical testing. Allele origin: germline.
Comment: This variant was observed in the ICSL laboratory as part of a predisposition screen in an ostensibly healthy population. It had not been previously curated by ICSL or reported in the Human Gene Mutation Database (HGMD: prior to June 1st, 2018), and was therefore a candidate for classification through an automated scoring system. Utilizing variant allele frequency, disease prevalence and penetrance estimates, and inheritance mode, an automated score was calculated to assess if this variant is too frequent to cause the disease. Based on the score and internal cut-off values, a variant classified as benign is not then subjected to further curation. The score for this variant resulted in a classification of benign for this disease.

Eurofins Ntd Llc (ga)
Classification: Benign. Last evaluated: 2016-05-20. Review status: criteria provided, single submitter. Criteria: EGL Classification Definitions 2015. Collection method: clinical testing. Allele origin: germline. Observed: 1 variant allele, 1 hemizygote.

NM_000133.4(F9):c.391+10T>G

Gene: F9 (coagulation factor IX; plus strand). Cytogenetic location: Xq27.1.
Variant type: single nucleotide variant.
Coding change: c.391+10T>G on transcript NM_000133.4 (MANE Select); 10 bases into the intron after coding-DNA position 391, T replaced by G.
Molecular consequence: intron variant.
Genome position (GRCh38, 1-based): chrX:139,541,199, T>G. VCF-style: chrX-139541199-T-G. GRCh37 (hg19) VCF-style: chrX-138623358-T-G.
Other names: c.277+3813T>G (NM_001313913.2).
Identifiers: ClinVar variation 288250 (VCV000288250.19), dbSNP rs375734226, ClinGen allele CA10529781.